The following is an entry in ClinVar:

ClinVar aggregate classification (germline): Uncertain significance (1 of 4 stars; one submission).

Conditions:
Progressive sclerosing poliodystrophy (MTDPS4A). Also called: ALPERS PROGRESSIVE INFANTILE POLIODYSTROPHY; NEURONAL DEGENERATION OF CHILDHOOD WITH LIVER DISEASE, PROGRESSIVE; Alpers Syndrome; ALPERS DIFFUSE DEGENERATION OF CEREBRAL GRAY MATTER WITH HEPATIC CIRRHOSIS; Alpers-Huttenlocher Syndrome; Mitochondrial DNA depletion syndrome 4A (Alpers type). Identifiers: Orphanet 726, MedGen C0205710, MONDO:0008758, OMIM 203700.

Submission:

Labcorp Genetics (formerly Invitae), Labcorp
Classification: Uncertain significance for Progressive sclerosing poliodystrophy. Last evaluated: 2024-05-02. Review status: criteria provided, single submitter. Criteria: Invitae Variant Classification Sherloc (09022015). Collection method: clinical testing. Allele origin: germline.
Comment: This sequence change replaces cysteine, which is neutral and slightly polar, with phenylalanine, which is neutral and non-polar, at codon 208 of the POLG protein (p.Cys208Phe). This variant is not present in population databases (gnomAD no frequency). This variant has not been reported in the literature in individuals affected with POLG-related conditions. Advanced modeling of protein sequence and biophysical properties (such as structural, functional, and spatial information, amino acid conservation, physicochemical variation, residue mobility, and thermodynamic stability) performed at Invitae indicates that this missense variant is not expected to disrupt POLG protein function with a negative predictive value of 95%. In summary, the available evidence is currently insufficient to determine the role of this variant in disease. Therefore, it has been classified as a Variant of Uncertain Significance.

NM_002693.3(POLG):c.623G>T (p.Cys208Phe)

Genes: POLG (DNA polymerase gamma, catalytic subunit; minus strand), POLGARF (POLG alternative reading frame; minus strand). Cytogenetic location: 15q26.1.
Variant type: single nucleotide variant.
Coding change: c.623G>T on transcript NM_002693.3 (MANE Select); coding-DNA position 623, G replaced by T.
Protein change: p.Cys208Phe; replaces cysteine 208 with phenylalanine.
Molecular consequence: missense variant.
Genome position (GRCh38, 1-based): chr15:89,333,132, C>A on the plus strand (G>T on the coding strand, the complement: POLG is on the minus strand). VCF-style: chr15-89333132-C-A. GRCh37 (hg19) VCF-style: chr15-89876363-C-A.
Other names: c.678G>T, p.Leu226Phe (NM_001430120.1); c.623G>T, p.Cys208Phe (NM_001126131.2); short protein forms C208F, L226F.
Identifiers: ClinVar variation 3614749 (VCV003614749.2).